The following is an entry in ClinVar:

ClinVar aggregate classification (germline): Uncertain significance (1 of 4 stars; one submission).

Submission:

Labcorp Genetics (formerly Invitae), Labcorp
Classification: Uncertain significance. Last evaluated: 2022-05-05. Review status: criteria provided, single submitter. Criteria: Invitae Variant Classification Sherloc (09022015). Collection method: clinical testing. Allele origin: germline.
Comment: Advanced modeling of protein sequence and biophysical properties (such as structural, functional, and spatial information, amino acid conservation, physicochemical variation, residue mobility, and thermodynamic stability) performed at Invitae indicates that this missense variant is not expected to disrupt MYO7A protein function. In summary, the available evidence is currently insufficient to determine the role of this variant in disease. Therefore, it has been classified as a Variant of Uncertain Significance. This variant has not been reported in the literature in individuals affected with MYO7A-related conditions. This sequence change replaces proline, which is neutral and non-polar, with arginine, which is basic and polar, at codon 987 of the MYO7A protein (p.Pro987Arg). This variant is not present in population databases (gnomAD no frequency).

NM_000260.4(MYO7A):c.2960C>G (p.Pro987Arg)

Gene: MYO7A (myosin VIIA; plus strand). Cytogenetic location: 11q13.5.
Variant type: single nucleotide variant.
Coding change: c.2960C>G on transcript NM_000260.4 (MANE Select); coding-DNA position 2960, C replaced by G.
Protein change: p.Pro987Arg; replaces proline 987 with arginine.
Molecular consequence: missense variant.
Genome position (GRCh38, 1-based): chr11:77,182,006, C>G. VCF-style: chr11-77182006-C-G. GRCh37 (hg19) VCF-style: chr11-76893052-C-G.
Other names: c.2960C>G, p.Pro987Arg (NM_001127180.2); c.2927C>G, p.Pro976Arg (NM_001369365.1); short protein forms P976R, P987R.
Identifiers: ClinVar variation 2134066 (VCV002134066.4), dbSNP rs397516298, ClinGen allele CA381943871.
Genomic context (GRCh38, chr11:77,182,006, plus strand): 5'-TTCAGGACCTGGAGCGAGGGCGGAGGGAGATGGTGGAGGAGGACCTGGATGCAGCCCTGC[C>G]CCTGCCTGACGAGGATGAGGAGGACCTCTCTGAGTATAAATTTGCCAAGTTCGCGGCCAC-3'
Protein context (NP_000251.3, residues 977-997): MVEEDLDAAL[Pro987Arg]LPDEDEEDLS